The following is an entry in ClinVar:

NM_001003722.2(GLE1):c.1312+1G>A

Gene: GLE1 (GLE1 RNA export mediator; plus strand). Cytogenetic location: 9q34.11.
Variant type: single nucleotide variant.
Coding change: c.1312+1G>A on transcript NM_001003722.2 (MANE Select); the canonical splice donor site of the intron after coding-DNA position 1312, G replaced by A.
Molecular consequence: splice donor variant.
Genome position (GRCh38, 1-based): chr9:128,527,526, G>A. VCF-style: chr9-128527526-G-A. GRCh37 (hg19) VCF-style: chr9-131289805-G-A.
Other names: c.1312+1G>A (NM_001499.2, NM_001411013.1).
Identifiers: ClinVar variation 1067752 (VCV001067752.9), dbSNP rs2132474364, ClinGen allele CA375042466.

ClinVar aggregate classification (germline): Likely pathogenic (1 of 4 stars; one submission).

Submission:

Labcorp Genetics (formerly Invitae), Labcorp
Classification: Likely pathogenic. Last evaluated: 2026-01-14. Review status: criteria provided, single submitter. Criteria: Invitae Variant Classification Sherloc (09022015). Collection method: clinical testing. Allele origin: germline.
Comment: This sequence change affects a donor splice site in intron 9 of the GLE1 gene. It is expected to disrupt RNA splicing. Variants that disrupt the donor or acceptor splice site typically lead to a loss of protein function (PMID: 16199547), and loss-of-function variants in GLE1 are known to be pathogenic (PMID: 18204449, 24243016, 27684565). This variant is not present in population databases (gnomAD no frequency). This variant has not been reported in the literature in individuals affected with GLE1-related conditions. ClinVar contains an entry for this variant (Variation ID: 1067752). Algorithms developed to predict the effect of sequence changes on RNA splicing suggest that this variant may disrupt the consensus splice site. In summary, the currently available evidence indicates that the variant is pathogenic, but additional data are needed to prove that conclusively. Therefore, this variant has been classified as Likely Pathogenic.

Literature cited by the submitters: PubMed 16199547; PubMed 18204449; PubMed 24243016; PubMed 27684565.